The following is an entry in ClinVar:

NM_002769.5(PRSS1):c.487G>C (p.Ala163Pro)

Genes: PRSS1 (serine protease 1; plus strand), TRB (T cell receptor beta locus; plus strand). Cytogenetic location: 7q34.
Variant type: single nucleotide variant.
Coding change: c.487G>C on transcript NM_002769.5 (MANE Select); coding-DNA position 487, G replaced by C.
Protein change: p.Ala163Pro; replaces alanine 163 with proline.
Molecular consequence: missense variant. On other transcripts: non-coding transcript variant (5).
Genome position (GRCh38, 1-based): chr7:142,752,463, G>C. VCF-style: chr7-142752463-G-C. GRCh37 (hg19) VCF-style: chr7-142460314-G-C.
Other names: short protein forms A163P.
Identifiers: ClinVar variation 1743777 (VCV001743777.2), dbSNP rs557691366, ClinGen allele CA369609496.

ClinVar aggregate classification (germline): Uncertain significance (1 of 4 stars; one submission).

Conditions:
Hereditary pancreatitis (PCTT). Also called: Hereditary chronic pancreatitis; PRSS1-Related Hereditary Pancreatitis. Identifiers: Orphanet 676, MedGen C0238339, MONDO:0008185, OMIM 167800.

gnomAD v4.1: 1 of 1,614,098 alleles (0.000062%); highest among the groups gnomAD compares: Non-Finnish European, 0.000085%; no homozygotes.

Submission:

Ambry Genetics
Classification: Uncertain significance for Hereditary pancreatitis. Last evaluated: 2022-02-03. Review status: criteria provided, single submitter. Criteria: Ambry Variant Classification Scheme 2023. Collection method: clinical testing. Allele origin: germline.
Comment: The p.A163P variant (also known as c.487G>C), located in coding exon 4 of the PRSS1 gene, results from a G to C substitution at nucleotide position 487. The alanine at codon 163 is replaced by proline, an amino acid with highly similar properties. This amino acid position is conserved. In addition, the in silico prediction for this alteration is inconclusive. Since supporting evidence is limited at this time, the clinical significance of this alteration remains unclear.